The following is an entry in ClinVar:

ClinVar aggregate classification (germline): Likely pathogenic. Review status: criteria provided, multiple submitters, no conflicts (2 of 4 stars). 4 submissions from 4 submitters: Likely pathogenic (3). 1 of the submissions does not count toward it. Last evaluated 2025-07-29.

Conditions:
Rubinstein-Taybi syndrome due to CREBBP mutations (RSTS1). Also called: RUBINSTEIN SYNDROME; RUBINSTEIN-TAYBI SYNDROME 1, INCOMPLETE; Rubinstein-Taybi syndrome 1; CREBBP-Related Rubinstein-Taybi Syndrome; BROAD THUMB-HALLUX SYNDROME; BROAD THUMBS AND GREAT TOES, CHARACTERISTIC FACIES, AND IMPAIRED INTELLECTUAL DEVELOPMENT. Identifiers: Orphanet 353277, Orphanet 783, MedGen C4551859, MONDO:0008393, OMIM 180849.
Menke-Hennekam syndrome 1 (MKHK1). Identifiers: MedGen C5193034, MONDO:0020763, OMIM 618332.

Submissions (4):

GeneDx
Classification: Likely pathogenic. Last evaluated: 2025-07-29. Review status: criteria provided, single submitter. Criteria: GeneDx Variant Classification Process June 2021. Collection method: clinical testing. Allele origin: germline. Affected: yes.
Comment: In silico analysis supports that this missense variant has a deleterious effect on protein structure/function; Not observed at significant frequency in large population cohorts (gnomAD); This variant is associated with the following publications: (PMID: 12070251, 12566391, 32827181, 16021471, 15706485)

Fulgent Genetics
Classification: Likely pathogenic for Rubinstein-Taybi syndrome due to CREBBP mutations; Menke-Hennekam syndrome 1. Last evaluated: 2024-01-29. Review status: criteria provided, single submitter. Criteria: ACMG Guidelines, 2015. Collection method: clinical testing. Allele origin: germline.

Revvity Omics, Revvity
Classification: Likely pathogenic. Last evaluated: 2021-03-04. Review status: criteria provided, single submitter. Criteria: ACMG Guidelines, 2015. Collection method: clinical testing. Allele origin: germline.

Wessex Regional Genetics Laboratory, Salisbury District Hospital
Classification: Likely pathogenic for Rubinstein-Taybi syndrome due to CREBBP mutations. Last evaluated: 2019-11-05. Review status: no assertion criteria provided. Criteria: ACMG Guidelines, 2015. Collection method: clinical testing. Allele origin: unknown. Inheritance: Autosomal dominant inheritance. Affected: yes. Not counted in ClinVar's aggregate classification.

NM_004380.3(CREBBP):c.4991G>A (p.Arg1664His)

Gene: CREBBP (CREB binding lysine acetyltransferase; minus strand). Cytogenetic location: 16p13.3.
Variant type: single nucleotide variant.
Coding change: c.4991G>A on transcript NM_004380.3 (MANE Select); coding-DNA position 4991, G replaced by A.
Protein change: p.Arg1664His; replaces arginine 1664 with histidine.
Molecular consequence: missense variant.
Genome position (GRCh38, 1-based): chr16:3,731,373, C>T on the plus strand (G>A on the coding strand, the complement: CREBBP is on the minus strand). VCF-style: chr16-3731373-C-T. GRCh37 (hg19) VCF-style: chr16-3781374-C-T.
Other names: c.4877G>A, p.Arg1626His (NM_001079846.1); short protein forms R1626H, R1664H.
Identifiers: ClinVar variation 694829 (VCV000694829.7), dbSNP rs1596791996, ClinGen allele CA394558748.